The following is an entry in ClinVar:

NM_032442.3(NEURL4):c.189G>A (p.Arg63=)

Gene: NEURL4 (neuralized E3 ubiquitin protein ligase 4; minus strand). Cytogenetic location: 17p13.1.
Variant type: single nucleotide variant.
Coding change: c.189G>A on transcript NM_032442.3 (MANE Select); coding-DNA position 189, G replaced by A.
Protein change: p.Arg63=; no amino-acid change (arginine 63 retained).
Molecular consequence: synonymous variant.
Genome position (GRCh38, 1-based): chr17:7,329,124, C>T on the plus strand (G>A on the coding strand, the complement: NEURL4 is on the minus strand). VCF-style: chr17-7329124-C-T. GRCh37 (hg19) VCF-style: chr17-7232443-C-T.
Other names: c.189G>A, p.Arg63= (NM_001005408.2).
Identifiers: ClinVar variation 2647334 (VCV002647334.24), dbSNP rs200830598, ClinGen allele CA8343580.

ClinVar aggregate classification (germline): Likely benign (1 of 4 stars; one submission).

Allele frequency attached by ClinVar (database versions not stated): ExAC 0.00227; 1000 Genomes Project 30x 0.00234; 1000 Genomes Project 0.00260; ESP Exome Variant Server 0.00091; TOPMed 0.00108; gnomAD 0.00133; gnomAD exomes 0.00203.

Submission:

CeGaT Center for Human Genetics Tuebingen
Classification: Likely benign. Last evaluated: 2023-03-01. Review status: criteria provided, single submitter. Criteria: CeGaT Center For Human Genetics Tuebingen Variant Classification Criteria Version 2. Collection method: clinical testing. Allele origin: germline. Affected: yes. Observed: 1 variant allele.
Comment: NEURL4: BP4, BP7, BS2